The following is an entry in ClinVar:

NM_000018.4(ACADVL):c.878+1G>C

Gene: ACADVL (acyl-CoA dehydrogenase very long chain; plus strand). Cytogenetic location: 17p13.1.
Variant type: single nucleotide variant.
Coding change: c.878+1G>C on transcript NM_000018.4 (MANE Select); the canonical splice donor site of the intron after coding-DNA position 878, G replaced by C.
Molecular consequence: splice donor variant.
Genome position (GRCh38, 1-based): chr17:7,222,303, G>C. VCF-style: chr17-7222303-G-C. GRCh37 (hg19) VCF-style: chr17-7125622-G-C.
Other names: c.947+1G>C (NM_001270447.2); c.650+1G>C (NM_001270448.2); c.812+1G>C (NM_001033859.3).
Identifiers: ClinVar variation 941268 (VCV000941268.15), dbSNP rs757946752, ClinGen allele CA8337875.

ClinVar aggregate classification (germline): Likely pathogenic. Review status: reviewed by expert panel (3 of 4 stars). 5 submissions from 5 submitters: Likely pathogenic (1). 4 of the submissions do not count toward it. Last evaluated 2024-02-27.

Conditions:
Very long chain acyl-CoA dehydrogenase deficiency (ACADVLD). Also called: VLCAD Deficiency; Very Long-Chain Acyl-Coenzyme A Dehydrogenase Deficiency. Identifiers: Orphanet 26793, MedGen C3887523, MONDO:0008723, OMIM 201475.

Allele frequency attached by ClinVar (database versions not stated): gnomAD exomes below 0.00001 and 0.00001; ExAC 0.00001; TOPMed 0.00001.

Submissions (5):

ClinGen ACADVL Variant Curation Expert Panel, ClinGen
Classification: Likely pathogenic for Very long chain acyl-CoA dehydrogenase deficiency. Last evaluated: 2024-02-27. Review status: reviewed by expert panel. Criteria: clingen acadvl acmg specifications v1. Collection method: curation. Allele origin: germline. Inheritance: Autosomal recessive inheritance.
Comment: The c.878+1G>C variant in ACADVL, also known as IVS9+1G>C, occurs within the canonical splice donor of intron 9. It is predicted to cause skipping of biologically-relevant exon 9/20, resulting in an in-frame deletion (removes amino acids 753-878) that is predicted to escape nonsense mediated decay (PVS1_Moderate). The variant has been described in at least two individuals with very long chain acyl-CoA dehydrogenase (VLCAD) deficiency who displayed increased C14:1 levels, which is highly specific for VLCAD deficiency (PP4_Moderate; PMIDs: 26927351, 31844625). Each of these affected patients were compound heterozygous for this variant distinct likely pathogenic variants confirmed by parental testing (PM3_Strong; PMIDs: 26927351, 31844625). In summary, this variant meets the criteria to be classified as likely pathogenic for autosomal recessive VLCAD deficiency based on the ACMG/AMP criteria applied, as specified by the ClinGen ACADVL Variant Curation Expert Panel: PVS1_Moderate, PM3_Strong, PP4_Moderate (ACADVL VCEP specifications version 1; approved November 9, 2021).

Natera, Inc.
Classification: Pathogenic for Very long chain acyl-CoA dehydrogenase deficiency. Last evaluated: 2025-06-26. Review status: criteria provided, single submitter. Criteria: Natera Variant Classification Schema (03/2026). Collection method: clinical testing. Allele origin: germline. Not counted in ClinVar's aggregate classification.
Comment: The c.878+1G>C variant in ACADVL is a canonical splice donor site variant predicted to affect pre-mRNA splicing, which may result in an abnormal transcript and altered protein product. This variant is expected to result in nonsense mediated decay, truncation, or a dysfunctional protein product. This variant is rare in the general population with a frequency below the threshold expected for the associated phenotype(s). This variant has been observed in one or more individuals affected with the associated recessive disease, as either homozygous or compound heterozygous with a second variant (PMID: 33240318, 26927351). Given the available evidence, this variant is classified as Pathogenic.

Labcorp Genetics (formerly Invitae), Labcorp
Classification: Pathogenic for Very long chain acyl-CoA dehydrogenase deficiency. Last evaluated: 2023-10-14. Review status: criteria provided, single submitter. Criteria: Invitae Variant Classification Sherloc (09022015). Collection method: clinical testing. Allele origin: germline. Not counted in ClinVar's aggregate classification.
Comment: This sequence change affects a donor splice site in intron 9 of the ACADVL gene. It is expected to disrupt RNA splicing. Variants that disrupt the donor or acceptor splice site typically lead to a loss of protein function (PMID: 16199547), and loss-of-function variants in ACADVL are known to be pathogenic (PMID: 9973285, 11590124). This variant is present in population databases (rs757946752, gnomAD 0.01%). Disruption of this splice site has been observed in individual(s) with ACADVL-related conditions (PMID: 26927351, 30950014). ClinVar contains an entry for this variant (Variation ID: 941268). Algorithms developed to predict the effect of sequence changes on RNA splicing suggest that this variant may disrupt the consensus splice site. For these reasons, this variant has been classified as Pathogenic.

Baylor Genetics
Classification: Pathogenic for Very long chain acyl-CoA dehydrogenase deficiency. Last evaluated: 2023-09-06. Review status: criteria provided, single submitter. Criteria: ACMG Guidelines, 2015. Collection method: clinical testing. Allele origin: unknown. Not counted in ClinVar's aggregate classification.

Juno Genomics, Hangzhou Juno Genomics, Inc
Classification: Likely pathogenic for Very long chain acyl-CoA dehydrogenase deficiency. Review status: criteria provided, single submitter. Criteria: ACMG Guidelines, 2015. Collection method: clinical testing. Allele origin: germline. Affected: yes. Not counted in ClinVar's aggregate classification.
Comment: Null variant in a gene where loss of function (LOF) is a known mechanism of disease.;Absent from controls (or at extremely low frequency if recessive) in Genome Aggregation Database, Exome Sequencing Project, 1000 Genomes Project, or Exome Aggregation Consortium.;For recessive disorders, detected in trans with a pathogenic variant.;Patient's phenotype or family history is highly specific for a disease with a single genetic etiology.

Literature cited by the submitters: PubMed 33240318 (cited by Natera, Inc.); PubMed 26927351 (cited by Natera, Inc. and Labcorp Genetics (formerly Invitae), Labcorp); PubMed 16199547 (cited by Labcorp Genetics (formerly Invitae), Labcorp); PubMed 9973285 (cited by Labcorp Genetics (formerly Invitae), Labcorp); PubMed 11590124 (cited by Labcorp Genetics (formerly Invitae), Labcorp); PubMed 30950014 (cited by Labcorp Genetics (formerly Invitae), Labcorp).